The following is an entry in ClinVar:

ClinVar aggregate classification (germline): Uncertain significance (1 of 4 stars; one submission).

gnomAD v4.1: 4 of 1,607,784 alleles (0.00025%); highest among the groups gnomAD compares: East Asian, 0.0045%; no homozygotes.

Submission:

Labcorp Genetics (formerly Invitae), Labcorp
Classification: Uncertain significance. Last evaluated: 2024-05-23. Review status: criteria provided, single submitter. Criteria: Invitae Variant Classification Sherloc (09022015). Collection method: clinical testing. Allele origin: germline.
Comment: This sequence change replaces proline, which is neutral and non-polar, with leucine, which is neutral and non-polar, at codon 796 of the FGFR3 protein (p.Pro796Leu). The frequency data for this variant in the population databases is considered unreliable, as metrics indicate poor data quality at this position in the gnomAD database. This variant has not been reported in the literature in individuals affected with FGFR3-related conditions. Advanced modeling of protein sequence and biophysical properties (such as structural, functional, and spatial information, amino acid conservation, physicochemical variation, residue mobility, and thermodynamic stability) performed at Invitae indicates that this missense variant is not expected to disrupt FGFR3 protein function with a negative predictive value of 95%. In summary, the available evidence is currently insufficient to determine the role of this variant in disease. Therefore, it has been classified as a Variant of Uncertain Significance.

NM_000142.5(FGFR3):c.2387C>T (p.Pro796Leu)

Gene: FGFR3 (fibroblast growth factor receptor 3; plus strand). Cytogenetic location: 4p16.3.
Variant type: single nucleotide variant.
Coding change: c.2387C>T on transcript NM_000142.5 (MANE Select); coding-DNA position 2387, C replaced by T.
Protein change: p.Pro796Leu; replaces proline 796 with leucine.
Molecular consequence: missense variant. On other transcripts: synonymous variant (1), non-coding transcript variant (1).
Genome position (GRCh38, 1-based): chr4:1,807,228, C>T. VCF-style: chr4-1807228-C-T. GRCh37 (hg19) VCF-style: chr4-1808955-C-T.
Other names: c.2393C>T, p.Pro798Leu (NM_001163213.2); c.2390C>T, p.Pro797Leu (NM_001354809.2); c.2319C>T, p.Pro773= (NM_001354810.2); c.2051C>T, p.Pro684Leu (NM_022965.4); short protein forms P684L, P796L, P797L, P798L.
Identifiers: ClinVar variation 3701464 (VCV003701464.2).